The following is an entry in ClinVar:

NM_001009944.3(PKD1):c.11674_11695del (p.Arg3892fs)

Genes: PKD1 (polycystin 1, transient receptor potential channel interacting; minus strand), PKD1-AS1 (PKD1 antisense RNA 1; plus strand). Cytogenetic location: 16p13.3.
Variant type: Deletion.
Coding change: c.11674_11695del on transcript NM_001009944.3 (MANE Select); coding-DNA positions 11674 to 11695, 22 bases deleted (CGCCTCAGCGCGGGCCTCTCGC).
Protein change: p.Arg3892fs; shifts the reading frame from arginine 3892.
Molecular consequence: frameshift variant. On other transcripts: non-coding transcript variant (1).
Genome position (GRCh38, 1-based): chr16:2,091,440-2,091,461, GCGAGAGGCCCGCGCTGAGGCG deleted on the plus strand (CGCCTCAGCGCGGGCCTCTCGC on the coding strand, the reverse complement: PKD1 is on the minus strand); deleting any 22 consecutive bases within chr16:2,091,440-2,091,464 gives the same sequence; the c. name uses the placement nearest the transcript's 3' end. VCF-style (leftmost placement, unchanged base first): chr16-2091439-AGCGAGAGGCCCGCGCTGAGGCG-A. GRCh37 (hg19) VCF-style: chr16-2141440-AGCGAGAGGCCCGCGCTGAGGCG-A.
Other names: c.11671_11692del, p.Arg3891fs (NM_000296.4); short protein forms R3891fs, R3892fs.
Identifiers: ClinVar variation 3236054 (VCV003236054.2), dbSNP rs2544613573, ClinGen allele CA2825002350.

ClinVar aggregate classification (germline): Pathogenic. Review status: criteria provided, multiple submitters, no conflicts (2 of 4 stars). 2 submissions from 2 submitters: Pathogenic (2). Last evaluated 2024-06-26.

Conditions:
Polycystic kidney disease, adult type (PKD1). Also called: Polycystic Kidney Disease 1, Autosomal Dominant; Polycystic kidney disease 1; Polycystic kidney disease 1, severe; Polycystic Kidney, Autosomal Dominant; POLYCYSTIC KIDNEY DISEASE 1 WITH OR WITHOUT POLYCYSTIC LIVER DISEASE; POLYCYSTIC KIDNEY DISEASE, ADULT, TYPE I. Identifiers: MedGen C3149841, MONDO:0008263, OMIM 173900.

Submissions (2):

Department of Pathology and Laboratory Medicine, Sinai Health System
Classification: Pathogenic for Polycystic kidney disease, adult type. Last evaluated: 2024-06-26. Review status: criteria provided, single submitter. Criteria: ACMG Guidelines, 2015. Collection method: clinical testing. Allele origin: germline. Affected: yes.

MVZ Medizinische Genetik Mainz
Classification: Pathogenic for Polycystic kidney disease, adult type. Last evaluated: 2023-12-11. Review status: criteria provided, single submitter. Criteria: UK Practice Guidelines For Variant Classification V4 01 2020. Collection method: clinical testing. Allele origin: germline. Inheritance: Autosomal dominant inheritance. Affected: yes. Observed: 1 variant allele.
Comment: ACMG Criteria: PVS1,PM2_SUP,PP4